The following is an entry in ClinVar:

NM_020376.4(PNPLA2):c.553T>C (p.Ser185Pro)

Gene: PNPLA2 (patatin like domain 2, triacylglycerol lipase; plus strand). Cytogenetic location: 11p15.5.
Variant type: single nucleotide variant.
Coding change: c.553T>C on transcript NM_020376.4 (MANE Select); coding-DNA position 553, T replaced by C.
Protein change: p.Ser185Pro; replaces serine 185 with proline.
Molecular consequence: missense variant.
Genome position (GRCh38, 1-based): chr11:822,463, T>C. VCF-style: chr11-822463-T-C. GRCh37 (hg19) VCF-style: chr11-822463-T-C.
Other names: short protein forms S185P.
Identifiers: ClinVar variation 977521 (VCV000977521.2), dbSNP rs1845699284, ClinGen allele CA378980144.

ClinVar aggregate classification (germline): Uncertain significance. Review status: criteria provided, single submitter (1 of 4 stars). 2 submissions from 2 submitters: Uncertain significance (1). 1 of the submissions does not count toward it. Last evaluated 2022-08-21.

Conditions:
Neutral lipid storage myopathy (NLSDM). Also called: NEUTRAL LIPID STORAGE DISEASE WITHOUT ICHTHYOSIS. Identifiers: Orphanet 98908, MedGen C1853136, MONDO:0012545, OMIM 610717.

Submissions (2):

Kariminejad - Najmabadi Pathology & Genetics Center
Classification: Uncertain significance for Neutral lipid storage myopathy. Last evaluated: 2022-08-21. Review status: criteria provided, single submitter. Criteria: ACMG Guidelines, 2015. Collection method: clinical testing. Allele origin: germline. Inheritance: Autosomal recessive inheritance. Affected: yes.
Comment: PP3,PM2

Neuromuscular Department, Shariati Hospital, Tehran University of Medical Sciences
Classification: Uncertain significance for Neutral lipid storage myopathy. Last evaluated: 2020-05-05. Review status: no assertion criteria provided. Collection method: clinical testing. Allele origin: germline. Affected: yes. Observed: 2 variant alleles. Not counted in ClinVar's aggregate classification.
Comment: CK was 2663 IU/L and muscle pathology revealed lipid droplets in oil red oil staining (ORO), rimmed vacuoles. Peripheral blood smear indicated Jordan anomaly. The CK was 4650 IU/L and muscle MRI showed hypersignal lesions mostly in upper arms and posterior parts of upper thighs in favor of a myopathic process.